The following is an entry in ClinVar:

NM_033380.3(COL4A5):c.276+5G>A

Gene: COL4A5 (collagen type IV alpha 5 chain; plus strand). Cytogenetic location: Xq22.3.
Variant type: single nucleotide variant.
Coding change: c.276+5G>A on transcript NM_033380.3 (MANE Select); 5 bases into the intron after coding-DNA position 276, G replaced by A.
Molecular consequence: intron variant.
Genome position (GRCh38, 1-based): chrX:108,563,931, G>A. VCF-style: chrX-108563931-G-A. GRCh37 (hg19) VCF-style: chrX-107807161-G-A.
Other names: c.276+5G>A (NM_000495.5).
Identifiers: ClinVar variation 5041996 (VCV005041996.1), dbSNP rs104886365.
Genomic context (GRCh38, chrX:108,563,931, plus strand): 5'-GCATTTTTCAGGGTGATGATGGAATTCCAGGGCCACCAGGACCAAAAGGAATCAGAGTAA[G>A]TAGTATTTTCTCTATATCAAATACTTTGTTGGTGGAAACAGATAGAGAACAAATGAAGTA-3'

ClinVar aggregate classification (germline): Likely pathogenic (1 of 4 stars; one submission).

Conditions:
X-linked Alport syndrome (ATS1). Also called: NEPHROPATHY AND DEAFNESS, X-LINKED; COL4A5-Related Nephropathy. Identifiers: Orphanet 63, Orphanet 88917, MedGen C4746986, MONDO:0010520, OMIM 301050.

Submission:

Centre de Génétique Humaine, Institut de Pathologie Et de Génétique
Classification: Likely pathogenic for X-linked Alport syndrome. Last evaluated: 2026-08-28. Review status: criteria provided, single submitter. Criteria: ACMG Guidelines, 2015. Collection method: clinical testing. Allele origin: germline. Inheritance: X-linked dominant inheritance. Affected: yes. Observed: 1 variant allele, 1 hemizygote. Segregation with disease not observed.
Comment: Variant located near the canonical donor splice site of intron 4. This variant is rare: absent in gnomAD v4.1.0 database (PM2). In silico analysis supports that this missense variant has a deleterious effect (PP3). Analysis of the transcript (cDNA generated from skin fibroblasts) showed a exon 4 skipping, resulting in a inframe deletion of 15 residues in collagenous region, PMID: 22921432 (PS3). Described as disease-causing in a patient with X-linked AS (PP5)

Literature cited by the submitters: PubMed 22921432.